The following is an entry in ClinVar:

NM_014484.5(MOCS3):c.1A>C (p.Met1Leu)

Gene: MOCS3 (molybdenum cofactor synthesis 3; plus strand). Cytogenetic location: 20q13.13.
Variant type: single nucleotide variant.
Coding change: c.1A>C on transcript NM_014484.5 (MANE Select); coding-DNA position 1, A replaced by C.
Protein change: p.Met1Leu; changes the start codon (methionine 1).
Molecular consequence: missense variant, initiator codon variant.
Genome position (GRCh38, 1-based): chr20:50,958,843, A>C. VCF-style: chr20-50958843-A-C. GRCh37 (hg19) VCF-style: chr20-49575380-A-C.
Other names: short protein forms M1L.
Identifiers: ClinVar variation 2904660 (VCV002904660.3), dbSNP rs771185327, ClinGen allele CA9909320.
Genomic context (GRCh38, chr20:50,958,843, plus strand): 5'-CTAGGAGACAGAAGACGGAAGCGGAAATGCCTTTCACGACAACTTCCGGAAGAGGTCGCC[A>C]TGGCTTCCCGGGAGGAGGTACTCGCCTTACAAGCTGAAGTTGCCCAACGTGAGGAGGAAT-3'
Protein context (NP_055299.1, residues 1-11): [Met1Leu]ASREEVLALQ

ClinVar aggregate classification (germline): Uncertain significance (1 of 4 stars; one submission).

Submission:

Labcorp Genetics (formerly Invitae), Labcorp
Classification: Uncertain significance. Last evaluated: 2026-01-11. Review status: criteria provided, single submitter. Criteria: Invitae Variant Classification Sherloc (09022015). Collection method: clinical testing. Allele origin: germline.
Comment: This sequence change affects the initiator codon of the MOCS3 mRNA. This change may impact translation initiation or efficiency. The next in-frame methionine is located at codon 119. This variant is present in population databases (rs771185327, gnomAD 0.04%). This variant has not been reported in the literature in individuals affected with MOCS3-related conditions. ClinVar contains an entry for this variant (Variation ID: 2904660). Experimental studies and prediction algorithms are not available or were not evaluated, and the functional significance of this variant is currently unknown. In summary, the available evidence is currently insufficient to determine the role of this variant in disease. Therefore, it has been classified as a Variant of Uncertain Significance.